The following is an entry in ClinVar:

ClinVar aggregate classification (germline): Uncertain significance. Review status: criteria provided, multiple submitters, no conflicts (2 of 4 stars). 4 submissions from 4 submitters: Uncertain significance (4). Last evaluated 2025-03-19.

Conditions:
Hereditary cancer-predisposing syndrome. Also called: Hereditary Cancer Syndrome; Tumor predisposition; Neoplastic Syndromes, Hereditary; Hereditary neoplastic syndrome. Identifiers: Orphanet 140162, MedGen C0027672, MeSH D009386, MONDO:0015356.
Tuberous sclerosis 2 (TSC2). Identifiers: Orphanet 805, MedGen C1860707, MONDO:0013199, OMIM 613254.

Submissions (4):

Labcorp Genetics (formerly Invitae), Labcorp
Classification: Uncertain significance for Tuberous sclerosis 2. Last evaluated: 2025-03-19. Review status: criteria provided, single submitter. Criteria: Invitae Variant Classification Sherloc (09022015). Collection method: clinical testing. Allele origin: germline.
Comment: This sequence change replaces aspartic acid, which is acidic and polar, with glycine, which is neutral and non-polar, at codon 1636 of the TSC2 protein (p.Asp1636Gly). This variant is not present in population databases (gnomAD no frequency). This variant has not been reported in the literature in individuals affected with TSC2-related conditions. ClinVar contains an entry for this variant (Variation ID: 3232179). Invitae Evidence Modeling of protein sequence and biophysical properties (such as structural, functional, and spatial information, amino acid conservation, physicochemical variation, residue mobility, and thermodynamic stability) indicates that this missense variant is not expected to disrupt TSC2 protein function with a negative predictive value of 95%. In summary, the available evidence is currently insufficient to determine the role of this variant in disease. Therefore, it has been classified as a Variant of Uncertain Significance.

GeneDx
Classification: Uncertain significance. Last evaluated: 2025-02-04. Review status: criteria provided, single submitter. Criteria: GeneDx Variant Classification Process June 2021. Collection method: clinical testing. Allele origin: germline. Affected: yes.
Comment: Not observed at significant frequency in large population cohorts (gnomAD); In silico analysis supports that this missense variant has a deleterious effect on protein structure/function; Has not been previously published as pathogenic or benign to our knowledge; This variant is associated with the following publications: (PMID: 18466115)

Ambry Genetics
Classification: Uncertain significance for Hereditary cancer-predisposing syndrome. Last evaluated: 2023-12-01. Review status: criteria provided, single submitter. Criteria: Ambry Variant Classification Scheme 2023. Collection method: clinical testing. Allele origin: germline.
Comment: The p.D1636G variant (also known as c.4907A>G), located in coding exon 37 of the TSC2 gene, results from an A to G substitution at nucleotide position 4907. The aspartic acid at codon 1636 is replaced by glycine, an amino acid with similar properties. This amino acid position is conserved. In addition, this alteration is predicted to be deleterious by in silico analysis. Since supporting evidence is limited at this time, the clinical significance of this alteration remains unclear.

Athena Diagnostics
Classification: Uncertain significance. Last evaluated: 2023-11-14. Review status: criteria provided, single submitter. Criteria: Athena Diagnostics Criteria. Collection method: clinical testing. Allele origin: unknown.
Comment: Available data are insufficient to determine the clinical significance of the variant at this time. This variant has not been reported in large, multi-ethnic general populations. Computational tools disagree on the variant's effect on normal protein function.

NM_000548.5(TSC2):c.4907A>G (p.Asp1636Gly)

Gene: TSC2 (TSC complex subunit 2; plus strand). Cytogenetic location: 16p13.3.
Variant type: single nucleotide variant.
Coding change: c.4907A>G on transcript NM_000548.5 (MANE Select); coding-DNA position 4907, A replaced by G.
Protein change: p.Asp1636Gly; replaces aspartic acid 1636 with glycine.
Molecular consequence: missense variant. On other transcripts: non-coding transcript variant (5).
Genome position (GRCh38, 1-based): chr16:2,086,789, A>G. VCF-style: chr16-2086789-A-G. GRCh37 (hg19) VCF-style: chr16-2136790-A-G.
Other names: c.4238A>G, p.Asp1413Gly (NM_001406682.1, NM_001406683.1); c.4235A>G, p.Asp1412Gly (NM_001406684.1); c.4109A>G, p.Asp1370Gly (NM_001406685.1, NM_001406686.1); c.4106A>G, p.Asp1369Gly (NM_001406687.1, NM_001406688.1); c.3494A>G, p.Asp1165Gly (NM_001406689.1); c.3434A>G, p.Asp1145Gly (NM_001406690.1); c.3431A>G, p.Asp1144Gly (NM_001406691.1); c.3365A>G, p.Asp1122Gly (NM_001406692.1, NM_001406693.1, NM_001406694.1); and 26 more; short protein forms D1035G, D1121G, D1122G, D1144G, D1145G, D1165G, D1369G, D1370G.
Identifiers: ClinVar variation 3232179 (VCV003232179.4), dbSNP rs764887737, ClinGen allele CA394308486.